The following is an entry in ClinVar:

ClinVar aggregate classification (germline): Uncertain significance. Review status: criteria provided, multiple submitters, no conflicts (2 of 4 stars). 2 submissions from 2 submitters: Uncertain significance (2). Last evaluated 2022-07-26.

Conditions:
Mucopolysaccharidosis, MPS-III-A (MPS3A). Also called: Mucopolysaccharidosis, type IIIA; mucopolysaccharidosis type 3A; MPS IIIA (Sanfilippo Syndrome Type A); HEPARAN SULFATE SULFATASE DEFICIENCY; Mucopolysaccharidosis type IIIA (Sanfilippo A); SANFILIPPO SYNDROME A. Identifiers: Orphanet 581, Orphanet 79269, MedGen C0086647, MONDO:0009655, OMIM 252900.

Allele frequency attached by ClinVar (database versions not stated): gnomAD exomes 0.00001 and 0.00002; gnomAD 0.00001; ExAC 0.00001; TOPMed 0.00002.
gnomAD v4.1: 29 of 1,607,742 alleles (0.0018%); highest among the groups gnomAD compares: Non-Finnish European, 0.0023%; no homozygotes.

Submissions (2):

Labcorp Genetics (formerly Invitae), Labcorp
Classification: Uncertain significance for Mucopolysaccharidosis, MPS-III-A. Last evaluated: 2022-07-26. Review status: criteria provided, single submitter. Criteria: Invitae Variant Classification Sherloc (09022015). Collection method: clinical testing. Allele origin: germline.
Comment: This sequence change replaces glycine, which is neutral and non-polar, with serine, which is neutral and polar, at codon 485 of the SGSH protein (p.Gly485Ser). This variant is present in population databases (rs779083605, gnomAD 0.005%). This variant has not been reported in the literature in individuals affected with SGSH-related conditions. ClinVar contains an entry for this variant (Variation ID: 1410625). Algorithms developed to predict the effect of missense changes on protein structure and function are either unavailable or do not agree on the potential impact of this missense change (SIFT: "Tolerated"; PolyPhen-2: "Possibly Damaging"; Align-GVGD: "Class C0"). Algorithms developed to predict the effect of sequence changes on RNA splicing suggest that this variant may create or strengthen a splice site. In summary, the available evidence is currently insufficient to determine the role of this variant in disease. Therefore, it has been classified as a Variant of Uncertain Significance.

Fulgent Genetics
Classification: Uncertain significance for Mucopolysaccharidosis, MPS-III-A. Last evaluated: 2021-08-27. Review status: criteria provided, single submitter. Criteria: ACMG Guidelines, 2015. Collection method: clinical testing. Allele origin: unknown.

NM_000199.5(SGSH):c.1453G>A (p.Gly485Ser)

Gene: SGSH (N-sulfoglucosamine sulfohydrolase; minus strand). Cytogenetic location: 17q25.3.
Variant type: single nucleotide variant.
Coding change: c.1453G>A on transcript NM_000199.5 (MANE Select); coding-DNA position 1453, G replaced by A.
Protein change: p.Gly485Ser; replaces glycine 485 with serine.
Molecular consequence: missense variant. On other transcripts: 3 prime UTR variant (2), non-coding transcript variant (1).
Genome position (GRCh38, 1-based): chr17:80,210,508, C>T on the plus strand (G>A on the coding strand, the complement: SGSH is on the minus strand). VCF-style: chr17-80210508-C-T. GRCh37 (hg19) VCF-style: chr17-78184307-C-T.
Other names: c.*540G>A (NM_001352921.3); c.*503G>A (NM_001352922.2); short protein forms G485S.
Identifiers: ClinVar variation 1410625 (VCV001410625.6), dbSNP rs779083605, ClinGen allele CA8817577.